The following is an entry in ClinVar:

NM_001195263.2(PDZD7):c.2111C>T (p.Ala704Val)

Gene: PDZD7 (PDZ domain containing 7; minus strand). Cytogenetic location: 10q24.31.
Variant type: single nucleotide variant.
Coding change: c.2111C>T on transcript NM_001195263.2 (MANE Select); coding-DNA position 2111, C replaced by T.
Protein change: p.Ala704Val; replaces alanine 704 with valine.
Molecular consequence: missense variant.
Genome position (GRCh38, 1-based): chr10:101,010,778, G>A on the plus strand (C>T on the coding strand, the complement: PDZD7 is on the minus strand). VCF-style: chr10-101010778-G-A. GRCh37 (hg19) VCF-style: chr10-102770535-G-A.
Other names: short protein forms A704V.
Identifiers: ClinVar variation 962001 (VCV000962001.7), dbSNP rs1046474216, ClinGen allele CA212978867.

ClinVar aggregate classification (germline): Uncertain significance. Review status: criteria provided, multiple submitters, no conflicts (2 of 4 stars). 3 submissions from 3 submitters: Uncertain significance (3). Last evaluated 2026-03-03.

Conditions:
PDZD7-related disorder. Also called: PDZD7-related disorders; PDZD7-related condition.

Allele frequency attached by ClinVar (database versions not stated): gnomAD 0.00001.
gnomAD v4.1: 8 of 1,535,502 alleles (0.00052%); highest among the groups gnomAD compares: Admixed American, 0.002%; no homozygotes.

Submissions (3):

PreventionGenetics, part of Exact Sciences
Classification: Uncertain significance for PDZD7-related condition. Last evaluated: 2026-03-03. Review status: criteria provided, single submitter. Criteria: ACMG Guidelines, 2015. Collection method: clinical testing. Allele origin: germline.
Comment: The PDZD7 c.2111C>T variant is predicted to result in the amino acid substitution p.Ala704Val. To our knowledge, this variant has not been reported in the literature. This variant is reported in one out of ~31,300 alleles in gnomAD. At this time, the clinical significance of this variant is uncertain due to the absence of conclusive functional and genetic evidence.

Labcorp Genetics (formerly Invitae), Labcorp
Classification: Uncertain significance. Last evaluated: 2026-01-05. Review status: criteria provided, single submitter. Criteria: Invitae Variant Classification Sherloc (09022015). Collection method: clinical testing. Allele origin: germline.
Comment: This sequence change replaces alanine, which is neutral and non-polar, with valine, which is neutral and non-polar, at codon 704 of the PDZD7 protein (p.Ala704Val). This variant is present in population databases (no rsID available, gnomAD no frequency). This variant has not been reported in the literature in individuals affected with PDZD7-related conditions. ClinVar contains an entry for this variant (Variation ID: 962001). Invitae Evidence Modeling of protein sequence and biophysical properties (such as structural, functional, and spatial information, amino acid conservation, physicochemical variation, residue mobility, and thermodynamic stability) indicates that this missense variant is not expected to disrupt PDZD7 protein function with a negative predictive value of 80%. In summary, the available evidence is currently insufficient to determine the role of this variant in disease. Therefore, it has been classified as a Variant of Uncertain Significance.

GeneDx
Classification: Uncertain significance. Last evaluated: 2025-03-11. Review status: criteria provided, single submitter. Criteria: GeneDx Variant Classification Process June 2021. Collection method: clinical testing. Allele origin: germline. Affected: yes.
Comment: In silico analysis does not support a benign or deleterious effect of this variant on protein structure/function; Has not been previously published as pathogenic or benign to our knowledge